The following is an entry in ClinVar:

ClinVar aggregate classification (germline): Conflicting classifications of pathogenicity. Review status: criteria provided, conflicting classifications (1 of 4 stars). 3 submissions from 3 submitters: Likely pathogenic (1); Uncertain significance (2). Last evaluated 2026-03-02.

Conditions:
Inborn genetic diseases. Identifiers: MedGen C0950123, MeSH D030342.
Cognitive impairment with or without cerebellar ataxia (CIAT). Identifiers: MedGen C3280415, MONDO:0013680, OMIM 614306.

gnomAD v4.1: 4 of 1,613,976 alleles (0.00025%); highest among the groups gnomAD compares: Non-Finnish European, 0.00017%; no homozygotes.

Submissions (3):

Ambry Genetics
Classification: Uncertain significance for Inborn genetic diseases. Last evaluated: 2026-03-02. Review status: criteria provided, single submitter. Criteria: Ambry Variant Classification Scheme 2023. Collection method: clinical testing. Allele origin: germline.

Institute of Human Genetics, University of Leipzig Medical Center
Classification: Uncertain significance for Cognitive impairment with or without cerebellar ataxia. Last evaluated: 2022-11-24. Review status: criteria provided, single submitter. Criteria: ACMG Guidelines, 2015. Collection method: clinical testing. Allele origin: unknown. Affected: yes.
Comment: _x000D_ Criteria applied: PM1, PS4_SUP, PM2_SUP, PP3

Department of Clinical Genetics, Copenhagen University Hospital, Rigshospitalet
Classification: Likely pathogenic for Cognitive impairment with or without cerebellar ataxia. Last evaluated: 2021-08-01. Review status: criteria provided, single submitter. Criteria: ACMG Guidelines, 2015. Collection method: clinical testing. Allele origin: de novo. Affected: yes.

NM_001330260.2(SCN8A):c.5620G>C (p.Val1874Leu)

Gene: SCN8A (sodium voltage-gated channel alpha subunit 8; plus strand). Cytogenetic location: 12q13.13.
Variant type: single nucleotide variant.
Coding change: c.5620G>C on transcript NM_001330260.2 (MANE Select); coding-DNA position 5620, G replaced by C.
Protein change: p.Val1874Leu; replaces valine 1874 with leucine.
Molecular consequence: missense variant.
Genome position (GRCh38, 1-based): chr12:51,807,106, G>C. VCF-style: chr12-51807106-G-C. GRCh37 (hg19) VCF-style: chr12-52200890-G-C.
Other names: c.5497G>C, p.Val1833Leu (NM_001177984.3, NM_001369788.1); c.5620G>C, p.Val1874Leu (NM_014191.4); c.5620G>C (NM_014191.2); short protein forms V1833L, V1874L.
Identifiers: ClinVar variation 1679326 (VCV001679326.5), dbSNP rs781602116, ClinGen allele CA384888120.